The following is an entry in ClinVar:

ClinVar aggregate classification (germline): Likely benign (0 of 4 stars; one submission).

Conditions:
SEMA4D-related disorder. Also called: SEMA4D-related condition.

Allele frequency attached by ClinVar (database versions not stated): gnomAD exomes 0.00013; TOPMed 0.00013; ExAC 0.00014; gnomAD 0.00016; ESP Exome Variant Server 0.00038.
gnomAD v4.1: 208 of 1,614,138 alleles (0.013%); highest among the groups gnomAD compares: Middle Eastern, 0.016%; no homozygotes.

Submission:

PreventionGenetics, part of Exact Sciences
Classification: Likely benign for SEMA4D-related condition. Last evaluated: 2019-03-14. Review status: no assertion criteria provided. Collection method: clinical testing. Allele origin: germline.
Comment: This variant is classified as likely benign based on ACMG/AMP sequence variant interpretation guidelines (Richards et al. 2015 PMID: 25741868, with internal and published modifications).

NM_001371194.2(SEMA4D):c.2205C>T (p.Leu735=)

Gene: SEMA4D (semaphorin 4D; minus strand). Cytogenetic location: 9q22.2.
Variant type: single nucleotide variant.
Coding change: c.2205C>T on transcript NM_001371194.2 (MANE Select); coding-DNA position 2205, C replaced by T.
Protein change: p.Leu735=; no amino-acid change (leucine 735 retained).
Molecular consequence: synonymous variant. On other transcripts: intron variant (6).
Genome position (GRCh38, 1-based): chr9:89,379,088, G>A on the plus strand (C>T on the coding strand, the complement: SEMA4D is on the minus strand). VCF-style: chr9-89379088-G-A. GRCh37 (hg19) VCF-style: chr9-91994003-G-A.
Other names: c.2205C>T, p.Leu735= (NM_001371195.1, NM_001371196.1, NM_001371197.1 and 1 more transcripts); c.1663+1967C>T (NM_001371198.1, NM_001371201.1, NM_001371202.1 and 3 more transcripts).
Identifiers: ClinVar variation 3045892 (VCV003045892.2), dbSNP rs138397887, ClinGen allele CA5118137.